The following is an entry in ClinVar:

NC_000001.10:g.(?_216465497)_(216501016_?)del

Gene: USH2A (usherin; minus strand). Cytogenetic location: 1q41.
Variant type: Deletion.
Identifiers: ClinVar variation 3248069 (VCV003248069.1).

ClinVar aggregate classification (germline): Pathogenic (1 of 4 stars; one submission).

Submission:

Labcorp Genetics (formerly Invitae), Labcorp
Classification: Pathogenic. Last evaluated: 2023-08-23. Review status: criteria provided, single submitter. Criteria: Invitae Variant Classification Sherloc (09022015). Collection method: clinical testing. Allele origin: unknown.
Comment: For these reasons, this variant has been classified as Pathogenic. This variant disrupts the p.Thr352 amino acid residue in USH2A. Other variant(s) that disrupt this residue have been determined to be pathogenic (PMID: 17405132, 24498627, 25575603, 28653555, 29142287). This suggests that this residue is clinically significant, and that variants that disrupt this residue are likely to be disease-causing. Experimental studies and prediction algorithms are not available or were not evaluated, and the functional significance of this variant is currently unknown. A similar copy number variant has been observed in individuals with Usher syndrome and sensorineural hearing loss (PMID: 24944099, 29655801). This variant is a gross deletion of the genomic region encompassing exon(s) 5-10 of the USH2A gene. This variant would be expected to be in-frame, preserving the integrity of the reading frame.

Literature cited by the submitters: PubMed 17405132; PubMed 24498627; PubMed 25575603; PubMed 28653555; PubMed 29142287; PubMed 24944099; PubMed 29655801.